The following is an entry in ClinVar:

NM_001106.4(ACVR2B):c.775G>C (p.Val259Leu)

Gene: ACVR2B (activin A receptor type 2B; plus strand). Cytogenetic location: 3p22.2.
Variant type: single nucleotide variant.
Coding change: c.775G>C on transcript NM_001106.4 (MANE Select); coding-DNA position 775, G replaced by C.
Protein change: p.Val259Leu; replaces valine 259 with leucine.
Molecular consequence: missense variant.
Genome position (GRCh38, 1-based): chr3:38,479,236, G>C. VCF-style: chr3-38479236-G-C. GRCh37 (hg19) VCF-style: chr3-38520727-G-C.
Other names: short protein forms V259L.
Identifiers: ClinVar variation 1507058 (VCV001507058.10), dbSNP rs540729310, ClinGen allele CA2318904.
Genomic context (GRCh38, chr3:38,479,236, plus strand): 5'-ATGAAGCACGAGAACCTGCTACAGTTCATTGCTGCCGAGAAGCGAGGCTCCAACCTCGAA[G>C]TAGAGCTGTGGCTCATCACGGCCTTCCATGACAAGGTGAGCCACACCCATCAGAATGGAC-3'
Protein context (NP_001097.2, residues 249-269): AAEKRGSNLE[Val259Leu]ELWLITAFHD

ClinVar aggregate classification (germline): Uncertain significance. Review status: criteria provided, multiple submitters, no conflicts (2 of 4 stars). 2 submissions from 2 submitters: Uncertain significance (2). Last evaluated 2025-07-09.

Conditions:
Heterotaxy, visceral, 4, autosomal (HTX4). Identifiers: Orphanet 450, MedGen C3151057, MONDO:0013403, OMIM 613751.

Allele frequency attached by ClinVar (database versions not stated): gnomAD 0.00001 and 0.00002; ExAC 0.00002; gnomAD exomes 0.00002 and 0.00006; TOPMed 0.00002; 1000 Genomes Project 0.00040; 1000 Genomes Project 30x 0.00047.
gnomAD v4.1: 88 of 1,614,172 alleles (0.0055%); highest among the groups gnomAD compares: Non-Finnish European, 0.0072%; no homozygotes.

Submissions (2):

Labcorp Genetics (formerly Invitae), Labcorp
Classification: Uncertain significance for Heterotaxy, visceral, 4, autosomal. Last evaluated: 2025-07-09. Review status: criteria provided, single submitter. Criteria: Invitae Variant Classification Sherloc (09022015). Collection method: clinical testing. Allele origin: germline.
Comment: This sequence change replaces valine, which is neutral and non-polar, with leucine, which is neutral and non-polar, at codon 259 of the ACVR2B protein (p.Val259Leu). This variant is present in population databases (rs540729310, gnomAD 0.004%). This variant has not been reported in the literature in individuals affected with ACVR2B-related conditions. ClinVar contains an entry for this variant (Variation ID: 1507058). An algorithm developed to predict the effect of missense changes on protein structure and function (PolyPhen-2) suggests that this variant is likely to be tolerated. In summary, the available evidence is currently insufficient to determine the role of this variant in disease. Therefore, it has been classified as a Variant of Uncertain Significance.

Revvity Omics, Revvity
Classification: Uncertain significance for Heterotaxy, visceral, 4, autosomal. Last evaluated: 2022-09-28. Review status: criteria provided, single submitter. Criteria: ACMG Guidelines, 2015. Collection method: clinical testing. Allele origin: germline.